The following is an entry in ClinVar:

NM_031935.3(HMCN1):c.1957G>A (p.Val653Met)

Gene: HMCN1 (hemicentin 1; plus strand). Cytogenetic location: 1q31.1.
Variant type: single nucleotide variant.
Coding change: c.1957G>A on transcript NM_031935.3 (MANE Select); coding-DNA position 1957, G replaced by A.
Protein change: p.Val653Met; replaces valine 653 with methionine.
Molecular consequence: missense variant.
Genome position (GRCh38, 1-based): chr1:185,962,646, G>A. VCF-style: chr1-185962646-G-A. GRCh37 (hg19) VCF-style: chr1-185931778-G-A.
Other names: c.1957G>A (NM_031935.2); short protein forms V653M.
Identifiers: ClinVar variation 1983371 (VCV001983371.5), dbSNP rs754249769, ClinGen allele CA1291243.

ClinVar aggregate classification (germline): Conflicting classifications of pathogenicity. Review status: criteria provided, conflicting classifications (1 of 4 stars). 2 submissions from 2 submitters: Uncertain significance (1); Likely benign (1). Last evaluated 2025-04-13.

Allele frequency attached by ClinVar (database versions not stated): gnomAD exomes 0.00001; TOPMed 0.00001; ExAC 0.00002; gnomAD 0.00003.
gnomAD v4.1: 21 of 1,579,704 alleles (0.0013%); highest among the groups gnomAD compares: East Asian, 0.0045%; no homozygotes.

Submissions (2):

Ambry Genetics
Classification: Likely benign. Last evaluated: 2025-04-13. Review status: criteria provided, single submitter. Criteria: Ambry Variant Classification Scheme 2023. Collection method: clinical testing. Allele origin: germline.

Labcorp Genetics (formerly Invitae), Labcorp
Classification: Uncertain significance. Last evaluated: 2022-10-23. Review status: criteria provided, single submitter. Criteria: Invitae Variant Classification Sherloc (09022015). Collection method: clinical testing. Allele origin: germline.
Comment: This sequence change replaces valine, which is neutral and non-polar, with methionine, which is neutral and non-polar, at codon 653 of the HMCN1 protein (p.Val653Met). This variant is present in population databases (rs754249769, gnomAD 0.003%). This variant has not been reported in the literature in individuals affected with HMCN1-related conditions. Algorithms developed to predict the effect of missense changes on protein structure and function output the following: SIFT: "Tolerated"; PolyPhen-2: "Benign"; Align-GVGD: "Class C0". The methionine amino acid residue is found in multiple mammalian species, which suggests that this missense change does not adversely affect protein function. In summary, the available evidence is currently insufficient to determine the role of this variant in disease. Therefore, it has been classified as a Variant of Uncertain Significance.